The following is an entry in ClinVar:

NM_000435.3(NOTCH3):c.5382G>A (p.Met1794Ile)

Gene: NOTCH3 (notch receptor 3; minus strand). Cytogenetic location: 19p13.12.
Variant type: single nucleotide variant.
Coding change: c.5382G>A on transcript NM_000435.3 (MANE Select); coding-DNA position 5382, G replaced by A.
Protein change: p.Met1794Ile; replaces methionine 1794 with isoleucine.
Molecular consequence: missense variant.
Genome position (GRCh38, 1-based): chr19:15,166,072, C>T on the plus strand (G>A on the coding strand, the complement: NOTCH3 is on the minus strand). VCF-style: chr19-15166072-C-T. GRCh37 (hg19) VCF-style: chr19-15276883-C-T.
Other names: short protein forms M1794I.
Identifiers: ClinVar variation 4802094 (VCV004802094.1).

ClinVar aggregate classification (germline): Uncertain significance (1 of 4 stars; one submission).

Submission:

Labcorp Genetics (formerly Invitae), Labcorp
Classification: Uncertain significance. Last evaluated: 2025-02-28. Review status: criteria provided, single submitter. Criteria: Invitae Variant Classification Sherloc (09022015). Collection method: clinical testing. Allele origin: germline.
Comment: This sequence change replaces methionine, which is neutral and non-polar, with isoleucine, which is neutral and non-polar, at codon 1794 of the NOTCH3 protein (p.Met1794Ile). This variant is not present in population databases (gnomAD no frequency). This variant has not been reported in the literature in individuals affected with NOTCH3-related conditions. Invitae Evidence Modeling of protein sequence and biophysical properties (such as structural, functional, and spatial information, amino acid conservation, physicochemical variation, residue mobility, and thermodynamic stability) indicates that this missense variant is not expected to disrupt NOTCH3 protein function with a negative predictive value of 95%. In summary, the available evidence is currently insufficient to determine the role of this variant in disease. Therefore, it has been classified as a Variant of Uncertain Significance.